The following is an entry in ClinVar:

ClinVar aggregate classification (germline): Uncertain significance (1 of 4 stars; one submission).

Conditions:
Luscan-Lumish syndrome. Identifiers: Orphanet 597738, MedGen C4085873, MONDO:0014791, OMIM 616831.

Submission:

Labcorp Genetics (formerly Invitae), Labcorp
Classification: Uncertain significance for Luscan-Lumish syndrome. Last evaluated: 2023-08-17. Review status: criteria provided, single submitter. Criteria: Invitae Variant Classification Sherloc (09022015). Collection method: clinical testing. Allele origin: germline.
Comment: This variant is not present in population databases (gnomAD no frequency). This variant, c.6811_6813del, results in the deletion of 1 amino acid(s) of the SETD2 protein (p.Ser2271del), but otherwise preserves the integrity of the reading frame. This variant has not been reported in the literature in individuals affected with SETD2-related conditions. ClinVar contains an entry for this variant (Variation ID: 1043738). Experimental studies and prediction algorithms are not available or were not evaluated, and the functional significance of this variant is currently unknown. In summary, the available evidence is currently insufficient to determine the role of this variant in disease. Therefore, it has been classified as a Variant of Uncertain Significance.

NM_014159.7(SETD2):c.6811_6813del (p.Ser2271del)

Gene: SETD2 (SET domain containing 2, histone lysine methyltransferase; minus strand). Cytogenetic location: 3p21.31.
Variant type: Deletion.
Coding change: c.6811_6813del on transcript NM_014159.7 (MANE Select); coding-DNA positions 6811 to 6813, 3 bases deleted (AGT; older notation c.6811_6813delAGT).
Protein change: p.Ser2271del; deletes serine 2271.
Molecular consequence: inframe deletion. On other transcripts: non-coding transcript variant (1).
Genome position (GRCh38, 1-based): chr3:47,056,971-47,056,973, ACT deleted on the plus strand (AGT on the coding strand, the reverse complement: SETD2 is on the minus strand); deleting any 3 consecutive bases within chr3:47,056,971-47,056,974 gives the same sequence; the c. name uses the placement nearest the transcript's 3' end. VCF-style (leftmost placement, unchanged base first): chr3-47056970-CACT-C. GRCh37 (hg19) VCF-style: chr3-47098460-CACT-C.
Other names: c.6679_6681del, p.Ser2227del (NM_001349370.3); short protein forms S2271del, S2227del.
Identifiers: ClinVar variation 1043738 (VCV001043738.5), dbSNP rs2040109665, ClinGen allele CA1362388981.